The following is an entry in ClinVar:

ClinVar aggregate classification (germline): Likely pathogenic (1 of 4 stars; one submission).

Submission:

Labcorp Genetics (formerly Invitae), Labcorp
Classification: Likely pathogenic. Last evaluated: 2022-09-01. Review status: criteria provided, single submitter. Criteria: Invitae Variant Classification Sherloc (09022015). Collection method: clinical testing. Allele origin: germline.
Comment: This variant has not been reported in the literature in individuals affected with DDX41-related conditions. This sequence change affects an acceptor splice site in intron 10 of the DDX41 gene. It is expected to disrupt RNA splicing. Variants that disrupt the donor or acceptor splice site typically lead to a loss of protein function (PMID: 16199547), and loss-of-function variants in DDX41 are known to be pathogenic (PMID: 26712909, 27133828). This variant is not present in population databases (gnomAD no frequency). Algorithms developed to predict the effect of sequence changes on RNA splicing suggest that this variant may disrupt the consensus splice site. In summary, the currently available evidence indicates that the variant is pathogenic, but additional data are needed to prove that conclusively. Therefore, this variant has been classified as Likely Pathogenic.

Literature cited by the submitters: PubMed 16199547; PubMed 26712909; PubMed 27133828.

NM_016222.4(DDX41):c.1099-1G>A

Gene: DDX41 (DEAD-box helicase 41; minus strand). Cytogenetic location: 5q35.3.
Variant type: single nucleotide variant.
Coding change: c.1099-1G>A on transcript NM_016222.4 (MANE Select); the canonical splice acceptor site of the intron before coding-DNA position 1099, G replaced by A.
Molecular consequence: splice acceptor variant.
Genome position (GRCh38, 1-based): chr5:177,513,485, C>T on the plus strand (G>A on the coding strand, the complement: DDX41 is on the minus strand). VCF-style: chr5-177513485-C-T. GRCh37 (hg19) VCF-style: chr5-176940486-C-T.
Other names: c.721-1G>A (NM_001321830.2, NM_001321732.2).
Identifiers: ClinVar variation 2028459 (VCV002028459.4), dbSNP rs2532080007, ClinGen allele CA362374087.